The following is an entry in ClinVar:

ClinVar aggregate classification (germline): Pathogenic. Review status: criteria provided, multiple submitters, no conflicts (2 of 4 stars). 19 submissions from 18 submitters: Pathogenic (18). 1 of the submissions does not count toward it. Last evaluated 2026-04-20.

Conditions:
Predisposition to cancer.
CHEK2-related cancer predisposition (TPDS4). Also called: CHEK2-related cancer susceptibility; TUMOR PREDISPOSITION SYNDROME 4; CANCER PREDISPOSITION SYNDROME, CHEK2-RELATED. Identifiers: Orphanet 524, MedGen C5882668, MONDO:0700271, OMIM 609265.
Familial prostate cancer. Also called: Hereditary Prostate Cancer. Identifiers: MedGen C2931456, MONDO:0700275, OMIM 176807.
Bone osteosarcoma. Also called: Osteosarcoma, somatic. Identifiers: Orphanet 668, MedGen C0585442, MONDO:0002629, OMIM 259500.
Hereditary cancer-predisposing syndrome. Also called: Hereditary Cancer Syndrome; Neoplastic Syndromes, Hereditary; Tumor predisposition; Hereditary neoplastic syndrome. Identifiers: Orphanet 140162, MedGen C0027672, MeSH D009386, MONDO:0015356.
Hereditary breast ovarian cancer syndrome. Also called: Hereditary breast and ovarian cancer; Hereditary breast and ovarian cancer syndrome (HBOC); Hereditary breast and/or ovarian cancer syndrome; Hereditary breast and ovarian cancer syndrome; Breast and ovarian cancer; BRCA1- and BRCA2-Associated Hereditary Breast and Ovarian Cancer. Identifiers: Orphanet 145, MedGen C0677776, MeSH D061325, MONDO:0003582. Disease mechanism: loss of function.
Breast-ovarian cancer, familial, susceptibility to, 1 (BROVCA1). Also called: BRCA1 Hereditary Breast and Ovarian Cancer; OVARIAN CANCER, SUSCEPTIBILITY TO. Identifiers: Orphanet 145, MedGen C2676676, MONDO:0011450, OMIM 604370. Disease mechanism: loss of function.
Familial cancer of breast. Also called: Hereditary breast cancer; hereditary breast carcinoma; BREAST CANCER, FAMILIAL. Identifiers: Orphanet 227535, MedGen C0346153, MONDO:0016419, OMIM 114480. Disease mechanism: loss of function.

Allele frequency attached by ClinVar (database versions not stated): gnomAD exomes below 0.00001; TOPMed 0.00001; ESP Exome Variant Server 0.00008.

Submissions 1 to 10 of 19:

Institute of Human Genetics, University of Leipzig Medical Center
Classification: Pathogenic for CHEK2-related cancer predisposition. Last evaluated: 2026-04-20. Review status: criteria provided, single submitter. Criteria: ACMG Guidelines, 2015. Collection method: clinical testing. Allele origin: unknown. Inheritance: Autosomal dominant inheritance. Affected: yes.
Comment: Criteria applied: PVS1,PM2_SUP,PM5_SUP

Labcorp Genetics (formerly Invitae), Labcorp
Classification: Pathogenic for Familial cancer of breast. Last evaluated: 2026-02-03. Review status: criteria provided, single submitter. Criteria: Invitae Variant Classification Sherloc (09022015). Collection method: clinical testing. Allele origin: germline.
Comment: This sequence change creates a premature translational stop signal (p.Trp93Glyfs*17) in the CHEK2 gene. It is expected to result in an absent or disrupted protein product. Loss-of-function variants in CHEK2 are known to be pathogenic (PMID: 21876083, 24713400). This variant is not present in population databases (gnomAD no frequency). This premature translational stop signal has been observed in individual(s) with breast cancer (PMID: 26822949, 30093976). ClinVar contains an entry for this variant (Variation ID: 187085). For these reasons, this variant has been classified as Pathogenic.

Institute of Human Genetics, University of Leipzig Medical Center
Classification: Pathogenic for Breast-ovarian cancer, familial, susceptibility to, 1. Last evaluated: 2025-03-04. Review status: criteria provided, single submitter. Criteria: ACMG Guidelines, 2015. Collection method: clinical testing. Allele origin: unknown. Inheritance: Autosomal dominant inheritance. Affected: yes.
Comment: Criteria applied: PVS1,PM2

Ambry Genetics
Classification: Pathogenic for Hereditary cancer-predisposing syndrome. Last evaluated: 2024-09-22. Review status: criteria provided, single submitter. Criteria: Ambry Variant Classification Scheme 2023. Collection method: clinical testing. Allele origin: germline.
Comment: The c.277delT pathogenic mutation, located in coding exon 1 of the CHEK2 gene, results from a deletion of one nucleotide at nucleotide position 277, causing a translational frameshift with a predicted alternate stop codon (p.W93Gfs*17). This mutation has been reported in multiple individuals with breast cancer (Susswein LR et al. Genet. Med. 2016 Aug;18:823-32; Lhota F et al. Clin. Genet. 2016 Oct;90:324-33; Cybulski C et al. J Clin Oncol 2011 Oct;29(28):3747-52; Kleiblova P et al. Int J Cancer 2019 10;145(7):1782-1797). This variant is considered to be rare based on population cohorts in the Genome Aggregation Database (gnomAD). In addition to the clinical data presented in the literature, this alteration is expected to result in loss of function by premature protein truncation or nonsense-mediated mRNA decay. As such, this alteration is interpreted as a disease-causing mutation.

ARUP Laboratories, Molecular Genetics and Genomics, ARUP Laboratories
Classification: Pathogenic. Last evaluated: 2024-07-30. Review status: criteria provided, single submitter. Criteria: ARUP Molecular Germline Variant Investigation Process 2024. Collection method: clinical testing. Allele origin: germline.
Comment: The CHEK2 c.277del; p.Trp93GlyfsTer17 variant (rs786203458, ClinVar Variation ID: 187085) is reported in the literature in multiple individuals affected with breast cancer (Chan 2018, Bhai 2021, de Oliveira 2022, Espinel 2022, Girard 2019, Lhota 2016, Susswein 2016, Sutcliffe 2020). This variant is absent from the Genome Aggregation Database (v2.1.1), indicating it is not a common polymorphism. This variant causes a frameshift by deleting a single nucleotides in exon 2 (of 15), so it is predicted to result in a truncated protein or mRNA subject to nonsense-mediated decay. Additional truncating variants are located in this exon (Sutcliffe 2020). Based on available information, this variant is considered to be pathogenic. References: Chan GHJ et al. Clinical genetic testing outcome with multi-gene panel in Asian patients with multiple primary cancers. Oncotarget. 2018 Jul 17;9(55):30649-30660. PMID: 30093976 Bhai P et al. Analysis of Sequence and Copy Number Variants in Canadian Patient Cohort With Familial Cancer Syndromes Using a Unique Next Generation Sequencing Based Approach. Front Genet. 2021 Jul 13;12:698595. PMID: 34326862 de Oliveira JM et al. The genetics of hereditary cancer risk syndromes in Brazil: a comprehensive analysis of 1682 patients. Eur J Hum Genet. 2022 Jul;30(7):818-823. PMID: 35534704 Espinel W et al. Clinical Impact of Pathogenic Variants in DNA Damage Repair Genes beyond BRCA1 and BRCA2 in Breast and Ovarian Cancer Patients. Cancers (Basel). 2022 May 13;14(10):2426. PMID: 35626031 Girard E et al. Familial breast cancer and DNA repair genes: Insights into known and novel susceptibility genes from the GENESIS study, and implications for multigene panel testing. Int J Cancer. 2019 Apr 15;144(8):1962-1974. PMID: 30303537 Lhota F et al. Hereditary truncating mutations of DNA repair and other genes in BRCA1/BRCA2/PALB2-negatively tested breast cancer patients. Clin Genet. 2016 Oct;90(4):324-33. PMID: 26822949. Susswein LR et al. Pathogenic and likely pathogenic variant prevalence among the first 10,000 patients referred for next-generation cancer panel testing. Genet Med. 2016 Aug;18(8):823-32. PMID: 26681312 Sutcliffe EG et al. Differences in cancer prevalence among CHEK2 carriers identified via multi-gene panel testing. Cancer Genet. 2020 Aug;246-247:12-17. PMID: 32805687.

St. Jude Molecular Pathology, St. Jude Children's Research Hospital
Classification: Pathogenic for Predisposition to cancer. Last evaluated: 2024-03-22. Review status: criteria provided, single submitter. Criteria: St. Jude Assertion Criteria 2020. Collection method: clinical testing. Allele origin: germline.
Comment: The CHEK2 c.277del (p.Trp93GlyfsTer17) deletes one nucleotide to cause a frameshift and the creation of a premature stop codon. This change is predicted to cause protein truncation or absence of protein due to nonsense-mediated decay. This variant has been reported in individuals with breast cancer (PMID: 26822949, 26681312, 30093976, 30303537, 30875412, 34326862, 35534704). It is also absent in gnomAD v2.1.1. In summary, this variant meets criteria to be classified as pathogenic.

Baylor Genetics
Classification: Pathogenic for Familial cancer of breast. Last evaluated: 2024-03-08. Review status: criteria provided, single submitter. Criteria: ACMG Guidelines, 2015. Collection method: clinical testing. Allele origin: unknown.

Quest Diagnostics Nichols Institute San Juan Capistrano
Classification: Pathogenic. Last evaluated: 2023-06-13. Review status: criteria provided, single submitter. Criteria: Quest Diagnostics criteria. Collection method: clinical testing. Allele origin: unknown.
Comment: The CHEK2 c.277del (p.Trp93Glyfs*17) variant alters the translational reading frame of the CHEK2 mRNA and causes the premature termination of CHEK2 protein synthesis. This variant has been reported in the published literature in multiple individuals with breast cancer (PMID: 26822949 (2016), 30093976 (2018), 30128536 (2018), 30303537 (2019), 33471991 (2021)), including an individual with both breast cancer and melanoma (PMID: 26681312 (2015)). This variant has not been reported in large, multi-ethnic general populations (Genome Aggregation Database). Based on the available information, this variant is classified as pathogenic.

CeGaT Center for Human Genetics Tuebingen
Classification: Pathogenic. Last evaluated: 2023-04-01. Review status: criteria provided, single submitter. Criteria: CeGaT Center For Human Genetics Tuebingen Variant Classification Criteria Version 2. Collection method: clinical testing. Allele origin: germline. Affected: yes. Observed: 4 variant alleles.
Comment: CHEK2: PVS1, PM2

Institute for Clinical Genetics, University Hospital TU Dresden, University Hospital TU Dresden
Classification: Pathogenic. Last evaluated: 2023-03-29. Review status: criteria provided, single submitter. Criteria: ACMG Guidelines, 2015. Collection method: clinical testing. Allele origin: germline.
Comment: PS4_MOD, PVS1, PM2_SUP

NM_007194.4(CHEK2):c.277del (p.Trp93fs)

Gene: CHEK2 (checkpoint kinase 2; minus strand). Cytogenetic location: 22q12.1.
Variant type: Deletion.
Coding change: c.277del on transcript NM_007194.4 (MANE Select); coding-DNA position 277, one base deleted (T; older notation c.277delT).
Protein change: p.Trp93fs; shifts the reading frame from tryptophan 93.
Molecular consequence: frameshift variant.
Genome position (GRCh38, 1-based): chr22:28,734,445, A deleted on the plus strand (T on the coding strand, the reverse complement: CHEK2 is on the minus strand). VCF-style (leftmost placement, unchanged base first): chr22-28734444-CA-C. GRCh37 (hg19) VCF-style: chr22-29130432-CA-C.
Other names: c.277del (NM_007194.3); c.277delT, p.Trp93Glyfs (NM_001005735.3, NM_001349956.3, NM_145862.3); c.-501delT (NM_001257387.3); short protein forms W93fs.
Identifiers: ClinVar variation 187085 (VCV000187085.83), dbSNP rs786203458, ClinGen allele CA196698.